The following is an entry in ClinVar:

ClinVar aggregate classification (germline): Uncertain significance (1 of 4 stars; one submission).

Allele frequency attached by ClinVar (database versions not stated): gnomAD 0.00001.
gnomAD v4.1: 1 of 1,614,010 alleles (0.000062%); highest among the groups gnomAD compares: African/African-American, 0.0013%; no homozygotes.

Submission:

Women's Health and Genetics/Laboratory Corporation of America, LabCorp
Classification: Uncertain significance. Last evaluated: 2017-04-04. Review status: criteria provided, single submitter. Criteria: LabCorp Variant Classification Summary - May 2015. Collection method: clinical testing. Allele origin: germline.
Comment: Variant summary: The MSH6 c.3238C>G (p.Leu1080Val) variant causes a missense change involving the alteration of a non-conserved nucleotide. 5/5 in silico tools predict a benign outcome for this variant. This variant is absent from the control datasets of ExAC and gnomAD (0 /121348 and 0/246180 chrs tested, respectively). The variant of interest has not, to our knowledge, been reported in affected individuals via publications and/or reputable databases/clinical diagnostic laboratories nor was it evaluated for functional impact by in vivo/vitro studies. Due to the absence of clinical information and lack of functional studies, the variant is classified as a variant of uncertain significance (VUS) until additional information becomes available.

NM_000179.3(MSH6):c.3238C>G (p.Leu1080Val)

Gene: MSH6 (mutS homolog 6; plus strand). Cytogenetic location: 2p16.3.
Variant type: single nucleotide variant.
Coding change: c.3238C>G on transcript NM_000179.3 (MANE Select); coding-DNA position 3238, C replaced by G.
Protein change: p.Leu1080Val; replaces leucine 1080 with valine.
Molecular consequence: missense variant.
Genome position (GRCh38, 1-based): chr2:47,803,485, C>G. VCF-style: chr2-47803485-C-G. GRCh37 (hg19) VCF-style: chr2-48030624-C-G.
Other names: c.2848C>G, p.Leu950Val (NM_001281492.2); c.2332C>G, p.Leu778Val (NM_001281493.2, NM_001281494.2); short protein forms L1080V, L950V, L778V.
Identifiers: ClinVar variation 495712 (VCV000495712.1), dbSNP rs1553331335, ClinGen allele CA346758079.